The following is an entry in ClinVar:

ClinVar aggregate classification (germline): Uncertain significance. Review status: criteria provided, multiple submitters, no conflicts (2 of 4 stars). 2 submissions from 2 submitters: Uncertain significance (2). Last evaluated 2024-08-19.

Conditions:
Gorlin syndrome. Also called: Nevoid Basal Cell Carcinoma Syndrome; Basal cell nevus syndrome. Identifiers: Orphanet 377, MedGen C0004779, MONDO:0007187.
Hereditary cancer-predisposing syndrome. Also called: Tumor predisposition; Hereditary neoplastic syndrome; Neoplastic Syndromes, Hereditary; Hereditary Cancer Syndrome. Identifiers: Orphanet 140162, MedGen C0027672, MeSH D009386, MONDO:0015356.

Submissions (2):

Ambry Genetics
Classification: Uncertain significance for Hereditary cancer-predisposing syndrome. Last evaluated: 2024-08-19. Review status: criteria provided, single submitter. Criteria: Ambry Variant Classification Scheme 2023. Collection method: clinical testing. Allele origin: germline.
Comment: The p.S1223A variant (also known as c.3667T>G), located in coding exon 22 of the PTCH1 gene, results from a T to G substitution at nucleotide position 3667. The serine at codon 1223 is replaced by alanine, an amino acid with similar properties. This amino acid position is conserved. In addition, the in silico prediction for this alteration is inconclusive. Based on the available evidence, the clinical significance of this variant remains unclear.

Labcorp Genetics (formerly Invitae), Labcorp
Classification: Uncertain significance for Gorlin syndrome. Last evaluated: 2022-12-18. Review status: criteria provided, single submitter. Criteria: Invitae Variant Classification Sherloc (09022015). Collection method: clinical testing. Allele origin: germline.
Comment: This sequence change replaces serine, which is neutral and polar, with alanine, which is neutral and non-polar, at codon 1223 of the PTCH1 protein (p.Ser1223Ala). This variant is not present in population databases (gnomAD no frequency). This variant has not been reported in the literature in individuals affected with PTCH1-related conditions. Advanced modeling of protein sequence and biophysical properties (such as structural, functional, and spatial information, amino acid conservation, physicochemical variation, residue mobility, and thermodynamic stability) performed at Invitae indicates that this missense variant is not expected to disrupt PTCH1 protein function. In summary, the available evidence is currently insufficient to determine the role of this variant in disease. Therefore, it has been classified as a Variant of Uncertain Significance.

NM_000264.5(PTCH1):c.3667T>G (p.Ser1223Ala)

Gene: PTCH1 (patched 1; minus strand). Cytogenetic location: 9q22.32.
Variant type: single nucleotide variant.
Coding change: c.3667T>G on transcript NM_000264.5 (MANE Select); coding-DNA position 3667, T replaced by G.
Protein change: p.Ser1223Ala; replaces serine 1223 with alanine.
Molecular consequence: missense variant. On other transcripts: non-coding transcript variant (1).
Genome position (GRCh38, 1-based): chr9:95,449,206, A>C on the plus strand (T>G on the coding strand, the complement: PTCH1 is on the minus strand). VCF-style: chr9-95449206-A-C. GRCh37 (hg19) VCF-style: chr9-98211488-A-C.
Other names: c.3469T>G, p.Ser1157Ala (NM_001083602.3); c.3664T>G, p.Ser1222Ala (NM_001083603.3); c.3214T>G, p.Ser1072Ala (NM_001083604.3, NM_001083605.3, NM_001083606.3 and 1 more transcripts); c.3511T>G, p.Ser1171Ala (NM_001354918.2); short protein forms S1157A, S1072A, S1171A, S1223A, S1222A.
Identifiers: ClinVar variation 2981927 (VCV002981927.4), dbSNP rs2136599999, ClinGen allele CA374111185.
Genomic context (GRCh38, chr9:95,449,206, plus strand): 5'-CCTCGTAGTGCCGAAGCTCCTCGCTGAGGCCTGACACTGTCGTCTGGGAACTATACTCCG[A>C]GTCGGAGGAATCAGACCCGCTGTGCGTGTGGCCGGGCGGCATGGCGAAGCGGACCACGCT-3'
Protein context (NP_000255.2, residues 1213-1233): HTHSGSDSSD[Ser1223Ala]EYSSQTTVSG